The following is an entry in ClinVar:

NM_000433.4(NCF2):c.4T>G (p.Ser2Ala)

Gene: NCF2 (neutrophil cytosolic factor 2; minus strand). Cytogenetic location: 1q25.3.
Variant type: single nucleotide variant.
Coding change: c.4T>G on transcript NM_000433.4 (MANE Select); coding-DNA position 4, T replaced by G.
Protein change: p.Ser2Ala; replaces serine 2 with alanine.
Molecular consequence: missense variant.
Genome position (GRCh38, 1-based): chr1:183,590,326, A>C on the plus strand (T>G on the coding strand, the complement: NCF2 is on the minus strand). VCF-style: chr1-183590326-A-C. GRCh37 (hg19) VCF-style: chr1-183559461-A-C.
Other names: c.4T>G, p.Ser2Ala (NM_001127651.3, NM_001190789.2, NM_001190794.2 and 1 more transcripts); short protein forms S2A.
Identifiers: ClinVar variation 2157222 (VCV002157222.2), dbSNP rs987968831, ClinGen allele CA33993127.

ClinVar aggregate classification (germline): Uncertain significance. Review status: criteria provided, multiple submitters, no conflicts (2 of 4 stars). 2 submissions from 2 submitters: Uncertain significance (2). Last evaluated 2025-08-31.

Conditions:
Inborn genetic diseases. Identifiers: MedGen C0950123, MeSH D030342.
Granulomatous disease, chronic, autosomal recessive, cytochrome b-positive, type 2. Also called: GRANULOMATOUS DISEASE, CHRONIC, DUE TO NCF2 DEFICIENCY; Chronic Granulomatous Disease, Autosomal Recessive, Cytochrome b-Positive, Type II; GRANULOMATOUS DISEASE, CHRONIC, AUTOSOMAL RECESSIVE, 2; Chronic granulomatous disease due to deficiency of NCF-2; CGD, AUTOSOMAL RECESSIVE CYTOCHROME b-POSITIVE, TYPE II. Identifiers: Orphanet 379, MedGen C1856245, MONDO:0009310, OMIM 233710.

Allele frequency attached by ClinVar (database versions not stated): gnomAD 0.00001; gnomAD exomes 0.00001; TOPMed 0.00001.
gnomAD v4.1: 19 of 1,613,860 alleles (0.0012%); highest among the groups gnomAD compares: Non-Finnish European, 0.0015%; no homozygotes.

Submissions (2):

Ambry Genetics
Classification: Uncertain significance for Inborn genetic diseases. Last evaluated: 2025-08-31. Review status: criteria provided, single submitter. Criteria: Ambry Variant Classification Scheme 2023. Collection method: clinical testing. Allele origin: germline.

Labcorp Genetics (formerly Invitae), Labcorp
Classification: Uncertain significance for Granulomatous disease, chronic, autosomal recessive, cytochrome b-positive, type 2. Last evaluated: 2022-03-19. Review status: criteria provided, single submitter. Criteria: Invitae Variant Classification Sherloc (09022015). Collection method: clinical testing. Allele origin: germline.
Comment: This sequence change replaces serine, which is neutral and polar, with alanine, which is neutral and non-polar, at codon 2 of the NCF2 protein (p.Ser2Ala). This variant is present in population databases (no rsID available, gnomAD 0.007%). This variant has not been reported in the literature in individuals affected with NCF2-related conditions. Algorithms developed to predict the effect of missense changes on protein structure and function (SIFT, PolyPhen-2, Align-GVGD) all suggest that this variant is likely to be tolerated. In summary, the available evidence is currently insufficient to determine the role of this variant in disease. Therefore, it has been classified as a Variant of Uncertain Significance.